The following is an entry in ClinVar:

NM_000260.4(MYO7A):c.5116G>A (p.Glu1706Lys)

Gene: MYO7A (myosin VIIA; plus strand). Cytogenetic location: 11q13.5.
Variant type: single nucleotide variant.
Coding change: c.5116G>A on transcript NM_000260.4 (MANE Select); coding-DNA position 5116, G replaced by A.
Protein change: p.Glu1706Lys; replaces glutamic acid 1706 with lysine.
Molecular consequence: missense variant.
Genome position (GRCh38, 1-based): chr11:77,202,372, G>A. VCF-style: chr11-77202372-G-A. GRCh37 (hg19) VCF-style: chr11-76913417-G-A.
Other names: c.5002G>A, p.Glu1668Lys (NM_001127180.2); c.4969G>A, p.Glu1657Lys (NM_001369365.1); short protein forms E1657K, E1668K, E1706K.
Identifiers: ClinVar variation 930006 (VCV000930006.13), dbSNP rs751860887, ClinGen allele CA224852353.
Genomic context (GRCh38, chr11:77,202,372, plus strand): 5'-ATGACTCCCGATCAGAGGCAGGACGTTGTCCGGCTCTTGCAGCTGCGAACGGCGGAGCCC[G>A]AGGTGCGTGCCAAGCCCTACACGCTGGAGGAGTTTTCCTATGACTACTTCAGGTGATGCC-3'
Protein context (NP_000251.3, residues 1696-1716): RLLQLRTAEP[Glu1706Lys]VRAKPYTLEE

ClinVar aggregate classification (germline): Uncertain significance. Review status: criteria provided, multiple submitters, no conflicts (2 of 4 stars). 6 submissions from 6 submitters: Uncertain significance (5). 1 of the submissions does not count toward it. Last evaluated 2026-05-27.

Conditions:
MYO7A-related disorder. Also called: MYO7A-related disorders.
Usher syndrome type 1B (USH1B). Also called: Usher syndrome type IB. Identifiers: MedGen C1848638, MONDO:0700087.

Allele frequency attached by ClinVar (database versions not stated): gnomAD exomes 0.00002; TOPMed 0.00004.
gnomAD v4.1: 30 of 1,560,994 alleles (0.0019%); highest among the groups gnomAD compares: Admixed American, 0.0076%; no homozygotes.

Submissions (6):

PreventionGenetics, part of Exact Sciences
Classification: Uncertain significance for MYO7A-related condition. Last evaluated: 2026-05-27. Review status: criteria provided, single submitter. Criteria: ACMG Guidelines, 2015. Collection method: clinical testing. Allele origin: germline.
Comment: The MYO7A c.5116G>A variant is predicted to result in the amino acid substitution p.Glu1706Lys. To our knowledge, this variant has not been reported in the literature. This variant is reported in 0.012% of alleles in individuals of Latino descent in gnomAD. At this time, the clinical significance of this variant is uncertain due to the absence of conclusive functional and genetic evidence.

Labcorp Genetics (formerly Invitae), Labcorp
Classification: Uncertain significance. Last evaluated: 2025-10-06. Review status: criteria provided, single submitter. Criteria: Invitae Variant Classification Sherloc (09022015). Collection method: clinical testing. Allele origin: germline.
Comment: This sequence change replaces glutamic acid, which is acidic and polar, with lysine, which is basic and polar, at codon 1706 of the MYO7A protein (p.Glu1706Lys). The frequency data for this variant in the population databases is considered unreliable, as metrics indicate poor data quality at this position in the gnomAD database. This variant has not been reported in the literature in individuals affected with MYO7A-related conditions. ClinVar contains an entry for this variant (Variation ID: 930006). Invitae Evidence Modeling of protein sequence and biophysical properties (such as structural, functional, and spatial information, amino acid conservation, physicochemical variation, residue mobility, and thermodynamic stability) indicates that this missense variant is not expected to disrupt MYO7A protein function with a negative predictive value of 95%. Algorithms developed to predict the effect of sequence changes on RNA splicing suggest that this variant may create or strengthen a splice site. In summary, the available evidence is currently insufficient to determine the role of this variant in disease. Therefore, it has been classified as a Variant of Uncertain Significance.

Blueprint Genetics
Classification: Uncertain significance. Last evaluated: 2022-10-05. Review status: criteria provided, single submitter. Criteria: ACMG Guidelines, 2015. Collection method: clinical testing. Allele origin: germline.

GeneDx
Classification: Uncertain significance. Last evaluated: 2021-08-24. Review status: criteria provided, single submitter. Criteria: GeneDx Variant Classification Process June 2021. Collection method: clinical testing. Allele origin: germline. Affected: yes.
Comment: The p.(E1706K) variant was reported as a variant of uncertain significance in published literature (Bujakowska et al., 2014); In silico analysis, which includes protein predictors and evolutionary conservation, supports that this variant does not alter protein structure/function; This variant is associated with the following publications: (PMID: 25468891)

Laboratory for Molecular Medicine, Mass General Brigham Personalized Medicine
Classification: Uncertain significance. Last evaluated: 2019-05-22. Review status: criteria provided, single submitter. Criteria: LMM Criteria. Collection method: clinical testing. Allele origin: germline. Observed: 1 variant allele.
Comment: The p.Glu1706Lys variant in MYO7A has not been previously reported in individuals with hearing loss or Usher syndrome, but has been identified in 0.01% (3/25662) of Latino chromosomes by gnomAD. Computational prediction tools and conservation analysis suggest that this variant may not impact the protein, though this information is not predictive enough to rule out pathogenicity. In summary, the clinical significance of this variant is uncertain. ACMG/AMP Criteria applied: PM2_Supporting, BP4.

Natera, Inc.
Classification: Uncertain significance for Usher syndrome type 1B. Last evaluated: 2020-01-22. Review status: no assertion criteria provided. Collection method: clinical testing. Allele origin: germline. Not counted in ClinVar's aggregate classification.